The following is an entry in ClinVar:

NM_203447.4(DOCK8):c.3014A>T (p.Asp1005Val)

Gene: DOCK8 (dedicator of cytokinesis 8; plus strand). Cytogenetic location: 9p24.3.
Variant type: single nucleotide variant.
Coding change: c.3014A>T on transcript NM_203447.4 (MANE Select); coding-DNA position 3014, A replaced by T.
Protein change: p.Asp1005Val; replaces aspartic acid 1005 with valine.
Molecular consequence: missense variant.
Genome position (GRCh38, 1-based): chr9:396,828, A>T. VCF-style: chr9-396828-A-T. GRCh37 (hg19) VCF-style: chr9-396828-A-T.
Other names: c.2714A>T, p.Asp905Val (NM_001190458.2); c.2810A>T, p.Asp937Val (NM_001193536.2); short protein forms D905V, D937V, D1005V.
Identifiers: ClinVar variation 1501749 (VCV001501749.8), dbSNP rs372112449, ClinGen allele CA4958470.

ClinVar aggregate classification (germline): Uncertain significance (1 of 4 stars; one submission).

Conditions:
Combined immunodeficiency due to DOCK8 deficiency (HIES2). Also called: HIES autosomal recessive; DOCK8 Deficiency; Hyper-IgE recurrent infection syndrome, autosomal recessive; HYPER-IgE RECURRENT INFECTION SYNDROME 2, AUTOSOMAL RECESSIVE; HYPER-IgE SYNDROME 2, AUTOSOMAL RECESSIVE, WITH RECURRENT INFECTIONS. Identifiers: Orphanet 217390, MedGen C4722305, MONDO:0009478, OMIM 243700.

Allele frequency attached by ClinVar (database versions not stated): gnomAD exomes below 0.00001; ExAC 0.00001; ESP Exome Variant Server 0.00008.

Submission:

Labcorp Genetics (formerly Invitae), Labcorp
Classification: Uncertain significance for Combined immunodeficiency due to DOCK8 deficiency. Last evaluated: 2023-12-18. Review status: criteria provided, single submitter. Criteria: Invitae Variant Classification Sherloc (09022015). Collection method: clinical testing. Allele origin: germline.
Comment: This sequence change replaces aspartic acid, which is acidic and polar, with valine, which is neutral and non-polar, at codon 1005 of the DOCK8 protein (p.Asp1005Val). This variant is present in population databases (rs372112449, gnomAD 0.007%). This variant has not been reported in the literature in individuals affected with DOCK8-related conditions. ClinVar contains an entry for this variant (Variation ID: 1501749). Advanced modeling of protein sequence and biophysical properties (such as structural, functional, and spatial information, amino acid conservation, physicochemical variation, residue mobility, and thermodynamic stability) has been performed at Invitae for this missense variant, however the output from this modeling did not meet the statistical confidence thresholds required to predict the impact of this variant on DOCK8 protein function. In summary, the available evidence is currently insufficient to determine the role of this variant in disease. Therefore, it has been classified as a Variant of Uncertain Significance.